The following is an entry in ClinVar:

ClinVar aggregate classification (germline): Uncertain significance. Review status: criteria provided, multiple submitters, no conflicts (2 of 4 stars). 4 submissions from 4 submitters: Uncertain significance (3). 1 of the submissions does not count toward it. Last evaluated 2024-04-03.

Conditions:
Bardet-Biedl syndrome 12 (BBS12). Identifiers: Orphanet 110, MedGen C1859570, MONDO:0014440, OMIM 615989.
Inborn genetic diseases. Identifiers: MedGen C0950123, MeSH D030342.
Bardet-Biedl syndrome (BBS). Identifiers: Orphanet 110, MedGen C0752166, MONDO:0015229.
BBS12-related disorder. Also called: BBS12-related condition.

Allele frequency attached by ClinVar (database versions not stated): gnomAD exomes 0.00001; ExAC 0.00007; gnomAD 0.00009; TOPMed 0.00013.
gnomAD v4.1: 24 of 1,614,114 alleles (0.0015%); highest among the groups gnomAD compares: African/African-American, 0.029%; no homozygotes.

Submissions (4):

Fulgent Genetics
Classification: Uncertain significance for Bardet-Biedl syndrome 12. Last evaluated: 2024-04-03. Review status: criteria provided, single submitter. Criteria: ACMG Guidelines, 2015. Collection method: clinical testing. Allele origin: germline.

Ambry Genetics
Classification: Uncertain significance for Inborn genetic diseases. Last evaluated: 2022-10-12. Review status: criteria provided, single submitter. Criteria: Ambry Variant Classification Scheme 2023. Collection method: clinical testing. Allele origin: germline.

Labcorp Genetics (formerly Invitae), Labcorp
Classification: Uncertain significance for Bardet-Biedl syndrome. Last evaluated: 2022-02-05. Review status: criteria provided, single submitter. Criteria: Invitae Variant Classification Sherloc (09022015). Collection method: clinical testing. Allele origin: germline.
Comment: This sequence change replaces serine, which is neutral and polar, with proline, which is neutral and non-polar, at codon 566 of the BBS12 protein (p.Ser566Pro). This variant is present in population databases (rs779858752, gnomAD 0.04%). This variant has not been reported in the literature in individuals affected with BBS12-related conditions. Algorithms developed to predict the effect of missense changes on protein structure and function are either unavailable or do not agree on the potential impact of this missense change (SIFT: "Tolerated"; PolyPhen-2: "Probably Damaging"; Align-GVGD: "Class C0"). In summary, the available evidence is currently insufficient to determine the role of this variant in disease. Therefore, it has been classified as a Variant of Uncertain Significance.

PreventionGenetics, part of Exact Sciences
Classification: Uncertain significance for BBS12-related condition. Last evaluated: 2024-08-20. Review status: no assertion criteria provided. Collection method: clinical testing. Allele origin: germline. Not counted in ClinVar's aggregate classification.
Comment: The BBS12 c.1696T>C variant is predicted to result in the amino acid substitution p.Ser566Pro. To our knowledge, this variant has not been reported in the literature. This variant is reported in 0.040% of alleles in individuals of African descent in gnomAD. At this time, the clinical significance of this variant is uncertain due to the absence of conclusive functional and genetic evidence.

NM_152618.3(BBS12):c.1696T>C (p.Ser566Pro)

Gene: BBS12 (Bardet-Biedl syndrome 12; plus strand). Cytogenetic location: 4q27.
Variant type: single nucleotide variant.
Coding change: c.1696T>C on transcript NM_152618.3 (MANE Select); coding-DNA position 1696, T replaced by C.
Protein change: p.Ser566Pro; replaces serine 566 with proline.
Molecular consequence: missense variant.
Genome position (GRCh38, 1-based): chr4:122,743,588, T>C. VCF-style: chr4-122743588-T-C. GRCh37 (hg19) VCF-style: chr4-123664743-T-C.
Other names: c.1696T>C, p.Ser566Pro (NM_001178007.2); short protein forms S566P.
Identifiers: ClinVar variation 2074113 (VCV002074113.5), dbSNP rs779858752, ClinGen allele CA3069492.